The following is an entry in ClinVar:

ClinVar aggregate classification (germline): Likely benign. Review status: criteria provided, single submitter (1 of 4 stars). 2 submissions from 2 submitters: Likely benign (1). 1 of the submissions does not count toward it. Last evaluated 2026-04-01.

Conditions:
RNF170-related disorder. Also called: RNF170-related condition.

Allele frequency attached by ClinVar (database versions not stated): 1000 Genomes Project 30x 0.00031; 1000 Genomes Project 0.00040; TOPMed 0.00069; gnomAD 0.00084; ESP Exome Variant Server 0.00085; ExAC 0.00122; gnomAD exomes 0.00141.
gnomAD v4.1: 2,170 of 1,614,030 alleles (0.13%); highest among the groups gnomAD compares: South Asian, 0.59%; 6 homozygotes.

Submissions (2):

CeGaT Center for Human Genetics Tuebingen
Classification: Likely benign. Last evaluated: 2026-04-01. Review status: criteria provided, single submitter. Criteria: CeGaT Center For Human Genetics Tuebingen Variant Classification Criteria Version 2. Collection method: clinical testing. Allele origin: germline. Affected: yes. Observed: 4 variant alleles.
Comment: RNF170: BS2

PreventionGenetics, part of Exact Sciences
Classification: Benign for RNF170-related condition. Last evaluated: 2020-08-07. Review status: no assertion criteria provided. Collection method: clinical testing. Allele origin: germline. Not counted in ClinVar's aggregate classification.
Comment: This variant is classified as benign based on ACMG/AMP sequence variant interpretation guidelines (Richards et al. 2015 PMID: 25741868, with internal and published modifications).

NM_030954.4(RNF170):c.113C>T (p.Ala38Val)

Gene: RNF170 (ring finger protein 170; minus strand). Cytogenetic location: 8p11.21.
Variant type: single nucleotide variant.
Coding change: c.113C>T on transcript NM_030954.4 (MANE Select); coding-DNA position 113, C replaced by T.
Protein change: p.Ala38Val; replaces alanine 38 with valine.
Molecular consequence: missense variant. On other transcripts: non-coding transcript variant (2), intron variant (1).
Genome position (GRCh38, 1-based): chr8:42,887,752, G>A on the plus strand (C>T on the coding strand, the complement: RNF170 is on the minus strand). VCF-style: chr8-42887752-G-A. GRCh37 (hg19) VCF-style: chr8-42742895-G-A.
Other names: c.113C>T, p.Ala38Val (NM_001160223.2, NM_001160224.2); c.-116+97C>T (NM_001160225.2); c.113C>T (NM_001160223.1); short protein forms A38V.
Identifiers: ClinVar variation 2673147 (VCV002673147.24), dbSNP rs148611952, ClinGen allele CA4734982.